The following is an entry in ClinVar:

NM_001453.3(FOXC1):c.587_638del (p.Pro196fs)

Gene: FOXC1 (forkhead box C1; plus strand). Cytogenetic location: 6p25.3.
Variant type: Deletion.
Coding change: c.587_638del on transcript NM_001453.3 (MANE Select); coding-DNA positions 587 to 638, 52 bases deleted.
Protein change: p.Pro196fs; shifts the reading frame from proline 196.
Molecular consequence: frameshift variant.
Genome position (GRCh38, 1-based): chr6:1,611,032-1,611,083, 52 bases deleted. GRCh37 (hg19): chr6:1,611,267-1,611,318.
Other names: short protein forms P196fs.
Identifiers: ClinVar variation 1048885 (VCV001048885.1), dbSNP rs2113112074, ClinGen allele CA2499218186.

ClinVar aggregate classification (germline): Uncertain significance (0 of 4 stars; one submission).

Submission:

Department of Pathology and Laboratory Medicine, Sinai Health System
Classification: Uncertain significance. Review status: no assertion criteria provided. Collection method: clinical testing. Allele origin: unknown. Affected: yes. Study: The Canadian Open Genetics Repository (COGR).
Comment: The FOXC1 p.Arg199_Gly215del variant was not identified in the literature nor was it identified in dbSNP, ClinVar, Cosmic or LOVD 3.0. The variant was identified in control databases in 1 of 149950 chromosomes at a frequency of 0.000007 (Genome Aggregation Database Feb 27, 2017). The variant was observed in the Latino population in 1 of 23462 chromosomes (freq: 0.000043) but was not observed in the African, Ashkenazi Jewish, East Asian, European (Finnish), European (non-Finnish), Other or South Asian populations. This variant is an in-frame deletion resulting in the removal of codons 199 to 215; the impact of this alteration on FOXC1 protein function is not known. In summary, based on the above information the clinical significance of this variant cannot be determined with certainty at this time. This variant is classified as a variant of uncertain significance.